The following is an entry in ClinVar:

ClinVar aggregate classification (germline): Benign/Likely benign. Review status: criteria provided, multiple submitters, no conflicts (2 of 4 stars). 3 submissions from 3 submitters: Benign (1); Likely benign (2). Last evaluated 2026-02-01.

Conditions:
Joubert syndrome 8 (JBTS8). Identifiers: Orphanet 475, MedGen C2676771, MONDO:0012855, OMIM 612291.
ARL13B-related disorder. Also called: ARL13B-related condition.

Allele frequency attached by ClinVar (database versions not stated): gnomAD 0.00001; TOPMed 0.00002.
gnomAD v4.1: 255 of 1,611,768 alleles (0.016%); highest among the groups gnomAD compares: South Asian, 0.24%; 4 homozygotes.

Submissions (3):

Labcorp Genetics (formerly Invitae), Labcorp
Classification: Benign for Joubert syndrome 8. Last evaluated: 2026-02-01. Review status: criteria provided, single submitter. Criteria: Invitae Variant Classification Sherloc (09022015). Collection method: clinical testing. Allele origin: germline.

PreventionGenetics, part of Exact Sciences
Classification: Likely benign for ARL13B-related condition. Last evaluated: 2026-01-27. Review status: criteria provided, single submitter. Criteria: ACMG Guidelines, 2015. Collection method: clinical testing. Allele origin: germline.
Comment: This variant is classified as likely benign based on ACMG/AMP sequence variant interpretation guidelines (Richards et al. 2015 PMID: 25741868, with internal and published modifications).

Blueprint Genetics
Classification: Likely benign. Last evaluated: 2024-10-29. Review status: criteria provided, single submitter. Criteria: ACMG Guidelines, 2015. Collection method: clinical testing. Allele origin: germline.

NM_001174150.2(ARL13B):c.671G>A (p.Arg224Gln)

Gene: ARL13B (ARF like GTPase 13B; plus strand). Cytogenetic location: 3q11.2.
Variant type: single nucleotide variant.
Coding change: c.671G>A on transcript NM_001174150.2 (MANE Select); coding-DNA position 671, G replaced by A.
Protein change: p.Arg224Gln; replaces arginine 224 with glutamine.
Molecular consequence: missense variant. On other transcripts: non-coding transcript variant (2).
Genome position (GRCh38, 1-based): chr3:94,036,736, G>A. VCF-style: chr3-94036736-G-A. GRCh37 (hg19) VCF-style: chr3-93755580-G-A.
Other names: c.362G>A, p.Arg121Gln (NM_001174151.2); c.626G>A, p.Arg209Gln (NM_001321328.2); c.350G>A, p.Arg117Gln (NM_144996.4); c.671G>A, p.Arg224Gln (NM_182896.3); short protein forms R209Q, R117Q, R121Q, R224Q.
Identifiers: ClinVar variation 700028 (VCV000700028.9), dbSNP rs542323478, ClinGen allele CA2504114.
Genomic context (GRCh38, chr3:94,036,736, plus strand): 5'-AGACAACAGAGCAGCGTGCTCTTGAGGAACAAGAGAAACAAGAAAGAGCTGAACGAGTGC[G>A]AAAATTACGAGAAGAAAGGTAAGTAGATTAATTTTGTACCACAGTGCATTTGAAGGATCA-3'
Protein context (NP_001167621.1, residues 214-234): QEKQERAERV[Arg224Gln]KLREERKQNE